The following is an entry in ClinVar:

ClinVar aggregate classification (germline): Uncertain significance (1 of 4 stars; one submission).

Allele frequency attached by ClinVar (database versions not stated): gnomAD exomes 0.00001 and 0.00002; TOPMed 0.00002.
gnomAD v4.1: 6 of 1,560,652 alleles (0.00038%); highest among the groups gnomAD compares: Admixed American, 0.012%; no homozygotes.

Submission:

Labcorp Genetics (formerly Invitae), Labcorp
Classification: Uncertain significance. Last evaluated: 2024-10-16. Review status: criteria provided, single submitter. Criteria: Invitae Variant Classification Sherloc (09022015). Collection method: clinical testing. Allele origin: germline.
Comment: This sequence change replaces valine, which is neutral and non-polar, with alanine, which is neutral and non-polar, at codon 35 of the SAMD11 protein (p.Val35Ala). This variant is present in population databases (rs776075841, gnomAD 0.02%). This variant has not been reported in the literature in individuals affected with SAMD11-related conditions. ClinVar contains an entry for this variant (Variation ID: 1365924). An algorithm developed to predict the effect of missense changes on protein structure and function outputs the following: PolyPhen-2: "Benign". The alanine amino acid residue is found in multiple mammalian species, which suggests that this missense change does not adversely affect protein function. In summary, the available evidence is currently insufficient to determine the role of this variant in disease. Therefore, it has been classified as a Variant of Uncertain Significance.

NM_001385641.1(SAMD11):c.641T>C (p.Val214Ala)

Gene: SAMD11 (sterile alpha motif domain containing 11; plus strand). Cytogenetic location: 1p36.33.
Variant type: single nucleotide variant.
Coding change: c.641T>C on transcript NM_001385641.1 (MANE Select); coding-DNA position 641, T replaced by C.
Protein change: p.Val214Ala; replaces valine 214 with alanine.
Molecular consequence: missense variant.
Genome position (GRCh38, 1-based): chr1:930,186, T>C. VCF-style: chr1-930186-T-C. GRCh37 (hg19) VCF-style: chr1-865566-T-C.
Other names: c.641T>C, p.Val214Ala (NM_001385640.1); c.104T>C, p.Val35Ala (NM_152486.4); short protein forms V35A, V214A.
Identifiers: ClinVar variation 1365924 (VCV001365924.6), dbSNP rs776075841, ClinGen allele CA502420.